The following is an entry in ClinVar:

NM_000057.4(BLM):c.1730G>C (p.Ser577Thr)

Gene: BLM (BLM RecQ like helicase; plus strand). Cytogenetic location: 15q26.1.
Variant type: single nucleotide variant.
Coding change: c.1730G>C on transcript NM_000057.4 (MANE Select); coding-DNA position 1730, G replaced by C.
Protein change: p.Ser577Thr; replaces serine 577 with threonine.
Molecular consequence: missense variant.
Genome position (GRCh38, 1-based): chr15:90,761,103, G>C. VCF-style: chr15-90761103-G-C. GRCh37 (hg19) VCF-style: chr15-91304333-G-C.
Other names: c.1730G>C, p.Ser577Thr (NM_001287246.2, NM_001287247.2); c.605G>C, p.Ser202Thr (NM_001287248.2); short protein forms S202T, S577T.
Identifiers: ClinVar variation 3991614 (VCV003991614.2).

ClinVar aggregate classification (germline): Uncertain significance. Review status: criteria provided, multiple submitters, no conflicts (2 of 4 stars). 2 submissions from 2 submitters: Uncertain significance (2). Last evaluated 2025-07-18.

Conditions:
Hereditary cancer-predisposing syndrome. Also called: Tumor predisposition; Hereditary neoplastic syndrome; Neoplastic Syndromes, Hereditary; Hereditary Cancer Syndrome. Identifiers: Orphanet 140162, MedGen C0027672, MeSH D009386, MONDO:0015356.
Bloom syndrome (BLM). Also called: Bloom-Torre-Machacek syndrome. Identifiers: Orphanet 125, MedGen C0005859, MONDO:0008876, OMIM 210900.

Submissions (2):

Labcorp Genetics (formerly Invitae), Labcorp
Classification: Uncertain significance for Bloom syndrome. Last evaluated: 2025-07-18. Review status: criteria provided, single submitter. Criteria: Invitae Variant Classification Sherloc (09022015). Collection method: clinical testing. Allele origin: germline.
Comment: This sequence change replaces serine, which is neutral and polar, with threonine, which is neutral and polar, at codon 577 of the BLM protein (p.Ser577Thr). This variant is not present in population databases (gnomAD no frequency). This variant has not been reported in the literature in individuals affected with BLM-related conditions. Invitae Evidence Modeling of protein sequence and biophysical properties (such as structural, functional, and spatial information, amino acid conservation, physicochemical variation, residue mobility, and thermodynamic stability) indicates that this missense variant is not expected to disrupt BLM protein function with a negative predictive value of 80%. In summary, the available evidence is currently insufficient to determine the role of this variant in disease. Therefore, it has been classified as a Variant of Uncertain Significance.

Ambry Genetics
Classification: Uncertain significance for Hereditary cancer-predisposing syndrome. Last evaluated: 2025-04-21. Review status: criteria provided, single submitter. Criteria: Ambry Variant Classification Scheme 2023. Collection method: clinical testing. Allele origin: germline.
Comment: The p.S577T variant (also known as c.1730G>C), located in coding exon 6 of the BLM gene, results from a G to C substitution at nucleotide position 1730. The serine at codon 577 is replaced by threonine, an amino acid with similar properties. This amino acid position is conserved. In addition, this alteration is predicted to be tolerated by in silico analysis. Based on the available evidence, the clinical significance of this variant remains unclear.